The following is an entry in ClinVar:

NM_001160372.4(TRAPPC9):c.3149G>A (p.Arg1050Gln)

Gene: TRAPPC9 (trafficking protein particle complex subunit 9; minus strand). Cytogenetic location: 8q24.3.
Variant type: single nucleotide variant.
Coding change: c.3149G>A on transcript NM_001160372.4 (MANE Select); coding-DNA position 3149, G replaced by A.
Protein change: p.Arg1050Gln; replaces arginine 1050 with glutamine.
Molecular consequence: missense variant. On other transcripts: non-coding transcript variant (1).
Genome position (GRCh38, 1-based): chr8:139,732,109, C>T on the plus strand (G>A on the coding strand, the complement: TRAPPC9 is on the minus strand). VCF-style: chr8-139732109-C-T. GRCh37 (hg19) VCF-style: chr8-140744352-C-T.
Other names: c.3122G>A, p.Arg1041Gln (NM_001321646.2); c.3170G>A, p.Arg1057Gln (NM_001374682.1); c.3038G>A, p.Arg1013Gln (NM_001374683.1); c.3005G>A, p.Arg1002Gln (NM_001374684.1); c.3149G>A, p.Arg1050Gln (NM_031466.8); short protein forms R1148Q, R1050Q, R1041Q, R1002Q, R1013Q, R1057Q.
Identifiers: ClinVar variation 362064 (VCV000362064.59), dbSNP rs111768745, ClinGen allele CA4892793.
Genomic context (GRCh38, chr8:139,732,109, plus strand): 5'-TTCTGGTGGTCCTGGAAGGGGACCACAGTGAGGGCGAAGGGCCCTACGCTGCGCGGGCTC[C>T]GGTTGGTCAGCCGCACCTCCAGGCGCACGGGGTCGCCCACCTGGCAGGCCGCCACAGCCT-3'
Protein context (NP_001153844.1, residues 1040-1060): PVRLEVRLTN[Arg1050Gln]SPRSVGPFAL

ClinVar aggregate classification (germline): Conflicting classifications of pathogenicity. Review status: criteria provided, conflicting classifications (1 of 4 stars). 10 submissions from 10 submitters: Uncertain significance (4); Likely benign (5). 1 of the submissions does not count toward it. Last evaluated 2026-01-29.

Conditions:
Intellectual developmental disorder, autosomal recessive 13. Also called: Intellectual disability, autosomal recessive 13. Identifiers: Orphanet 88616, MedGen C2750791, MONDO:0013173, OMIM 613192.
Inborn genetic diseases. Identifiers: MedGen C0950123, MeSH D030342.
TRAPPC9-related disorder. Also called: TRAPPC9-related condition.
Intellectual disability. Also called: intellectual disabilities; Intellectual functioning disability; Intellectual developmental disorder. Identifiers: MedGen C3714756, MeSH D008607, MONDO:0001071, HP:0001249.

Allele frequency attached by ClinVar (database versions not stated): 1000 Genomes Project 0.00040; gnomAD 0.00103 and 0.00098; TOPMed 0.00103; gnomAD exomes 0.00086 and 0.00201; ESP Exome Variant Server 0.00100; ExAC 0.00127; 1000 Genomes Project 30x 0.00047.
gnomAD v4.1: 3,008 of 1,606,834 alleles (0.19%); highest among the groups gnomAD compares: Non-Finnish European, 0.25%; 9 homozygotes.

Submissions (10):

PreventionGenetics, part of Exact Sciences
Classification: Likely benign for TRAPPC9-related condition. Last evaluated: 2026-01-29. Review status: criteria provided, single submitter. Criteria: ACMG Guidelines, 2015. Collection method: clinical testing. Allele origin: germline.
Comment: This variant is classified as likely benign based on ACMG/AMP sequence variant interpretation guidelines (Richards et al. 2015 PMID: 25741868, with internal and published modifications).

Labcorp Genetics (formerly Invitae), Labcorp
Classification: Likely benign. Last evaluated: 2026-01-13. Review status: criteria provided, single submitter. Criteria: Invitae Variant Classification Sherloc (09022015). Collection method: clinical testing. Allele origin: germline.

CeGaT Center for Human Genetics Tuebingen
Classification: Likely benign. Last evaluated: 2025-09-01. Review status: criteria provided, single submitter. Criteria: CeGaT Center For Human Genetics Tuebingen Variant Classification Criteria Version 2. Collection method: clinical testing. Allele origin: germline. Affected: yes. Observed: 2 variant alleles.
Comment: TRAPPC9: BP4, BS2

Blueprint Genetics
Classification: Likely benign. Last evaluated: 2024-11-26. Review status: criteria provided, single submitter. Criteria: ACMG Guidelines, 2015. Collection method: clinical testing. Allele origin: germline.

Women's Health and Genetics/Laboratory Corporation of America, LabCorp
Classification: Likely benign. Last evaluated: 2024-05-17. Review status: criteria provided, single submitter. Criteria: LabCorp Variant Classification Summary - May 2015. Collection method: clinical testing. Allele origin: germline.
Comment: Variant summary: TRAPPC9 c.3149G>A (p.Arg1050Gln) results in a conservative amino acid change in the encoded protein sequence. Five of five in-silico tools predict a benign effect of the variant on protein function. The variant allele was found at a frequency of 0.0019 in 1606834 control chromosomes, predominantly at a frequency of 0.0025 within the Non-Finnish European subpopulation in the gnomAD database, including 8 homozygotes. The observed variant frequency within Non-Finnish European control individuals in the gnomAD database exceeds the estimated maximal expected allele frequency for a pathogenic variant in TRAPPC9 causing Intellectual Disability, Autosomal Recessive 13 phenotype. To our knowledge, no occurrence of c.3149G>A in individuals affected with Intellectual Disability, Autosomal Recessive 13 and no experimental evidence demonstrating its impact on protein function have been reported. ClinVar contains an entry for this variant (Variation ID: 362064). Based on the evidence outlined above, the variant was classified as likely benign.

New York Genome Center
Classification: Uncertain significance for Intellectual developmental disorder, autosomal recessive 13. Last evaluated: 2021-12-10. Review status: criteria provided, single submitter. Criteria: NYGC Assertion Criteria 2020. Collection method: clinical testing. Allele origin: germline. Observed: 1 heterozygote. Study: CSER-NYCKidSeq.

Baylor Genetics
Classification: Uncertain significance for Intellectual developmental disorder, autosomal recessive 13. Last evaluated: 2018-07-13. Review status: criteria provided, single submitter. Criteria: ACMG Guidelines, 2015. Collection method: clinical testing. Allele origin: unknown. Affected: yes.
Comment: This variant was determined to be of uncertain significance according to ACMG Guidelines, 2015 [PMID:25741868].

Ambry Genetics
Classification: Uncertain significance for Inborn genetic diseases. Last evaluated: 2018-03-09. Review status: criteria provided, single submitter. Criteria: Ambry Variant Classification Scheme 2023. Collection method: clinical testing. Allele origin: germline.
Comment: The p.R1148Q variant (also known as c.3443G>A), located in coding exon 22 of the TRAPPC9 gene, results from a G to A substitution at nucleotide position 3443. The arginine at codon 1148 is replaced by glutamine, an amino acid with highly similar properties. This amino acid position is not well conserved in available vertebrate species. In addition, this alteration is predicted to be tolerated by in silico analysis. Since supporting evidence is limited at this time, the clinical significance of this alteration remains unclear.

Genetic Services Laboratory, University of Chicago
Classification: Uncertain significance. Last evaluated: 2015-11-13. Review status: criteria provided, single submitter. Criteria: ACMG Guidelines, 2015. Collection method: clinical testing. Allele origin: germline. Affected: no.

Centre de Biologie Pathologie Génétique, Centre Hospitalier Universitaire de Lille
Classification: Uncertain significance for Intellectual disability. Last evaluated: 2019-01-01. Review status: no assertion criteria provided. Collection method: clinical testing. Allele origin: unknown. Affected: yes. Not counted in ClinVar's aggregate classification.